The following is an entry in ClinVar:

ClinVar aggregate classification (germline): Benign/Likely benign. Review status: criteria provided, multiple submitters, no conflicts (2 of 4 stars). 3 submissions from 3 submitters: Benign (1); Likely benign (2). Last evaluated 2025-04-10.

Conditions:
Tuberous sclerosis 1 (TSC1). Identifiers: Orphanet 805, MedGen C1854465, MONDO:0008612, OMIM 191100.
Hereditary cancer-predisposing syndrome. Also called: Hereditary Cancer Syndrome; Hereditary neoplastic syndrome; Neoplastic Syndromes, Hereditary; Tumor predisposition. Identifiers: Orphanet 140162, MedGen C0027672, MeSH D009386, MONDO:0015356.

Submissions (3):

Myriad Genetics, Inc.
Classification: Benign for Tuberous sclerosis 1. Last evaluated: 2025-04-10. Review status: criteria provided, single submitter. Criteria: Myriad Autosomal Dominant, Autosomal Recessive and X-Linked Classification Criteria (2023). Collection method: clinical testing. Allele origin: unknown.
Comment: This variant is considered benign. This variant is a silent/synonymous amino acid change and it is not expected to impact splicing.

Labcorp Genetics (formerly Invitae), Labcorp
Classification: Likely benign for Tuberous sclerosis 1. Last evaluated: 2025-02-25. Review status: criteria provided, single submitter. Criteria: Invitae Variant Classification Sherloc (09022015). Collection method: clinical testing. Allele origin: germline.

Ambry Genetics
Classification: Likely benign for Hereditary cancer-predisposing syndrome. Last evaluated: 2024-11-18. Review status: criteria provided, single submitter. Criteria: Ambry Variant Classification Scheme 2023. Collection method: clinical testing. Allele origin: germline.

NM_000368.5(TSC1):c.1560C>T (p.His520=)

Gene: TSC1 (TSC complex subunit 1; minus strand). Cytogenetic location: 9q34.13.
Variant type: single nucleotide variant.
Coding change: c.1560C>T on transcript NM_000368.5 (MANE Select); coding-DNA position 1560, C replaced by T.
Protein change: p.His520=; no amino-acid change (histidine 520 retained).
Molecular consequence: synonymous variant. On other transcripts: non-coding transcript variant (5).
Genome position (GRCh38, 1-based): chr9:132,906,018, G>A on the plus strand (C>T on the coding strand, the complement: TSC1 is on the minus strand). VCF-style: chr9-132906018-G-A. GRCh37 (hg19) VCF-style: chr9-135781405-G-A.
Other names: c.1557C>T, p.His519= (NM_001162426.2, NM_001406597.1, NM_001406598.1 and 6 more transcripts); c.1407C>T, p.His469= (NM_001162427.2, NM_001406610.1); c.1197C>T, p.His399= (NM_001362177.2, NM_001406614.1, NM_001406615.1 and 5 more transcripts); c.1560C>T, p.His520= (NM_001406592.1, NM_001406593.1, NM_001406594.1 and 7 more transcripts); c.1404C>T, p.His468= (NM_001406611.1, NM_001406612.1, NM_001406613.1); c.1194C>T, p.His398= (NM_001406620.1, NM_001406621.1, NM_001406622.1 and 2 more transcripts); c.609C>T, p.His203= (NM_001406626.1); c.606C>T, p.His202= (NM_001406627.1, NM_001406628.1); and 1 more.
Identifiers: ClinVar variation 3462503 (VCV003462503.4).
Genomic context (GRCh38, chr9:132,906,018, plus strand): 5'-CAGGGAGGAGTGTAAAGGCTCAGGGTTCACGCTGGCGCCCTGAGAACTGGAGGCTGCCGA[G>A]TGGGTCTTCCGCTGAGAACCTGGGAGACTGTCTCGGTAAAAGGGAGAGTCAAAGCCTCCT-3'
Protein context (NP_000359.1, residues 510-530): DSLPGSQRKT[His520=]SAASSSQGAS